The following is an entry in ClinVar:

NM_000540.3(RYR1):c.12577T>C (p.Tyr4193His)

Gene: RYR1 (ryanodine receptor 1; plus strand). Cytogenetic location: 19q13.2.
Variant type: single nucleotide variant.
Coding change: c.12577T>C on transcript NM_000540.3 (MANE Select); coding-DNA position 12577, T replaced by C.
Protein change: p.Tyr4193His; replaces tyrosine 4193 with histidine.
Molecular consequence: missense variant.
Genome position (GRCh38, 1-based): chr19:38,561,407, T>C. VCF-style: chr19-38561407-T-C. GRCh37 (hg19) VCF-style: chr19-39052047-T-C.
Other names: c.12562T>C, p.Tyr4188His (NM_001042723.2); short protein forms Y4188H, Y4193H.
Identifiers: ClinVar variation 3709266 (VCV003709266.2).

ClinVar aggregate classification (germline): Uncertain significance (1 of 4 stars; one submission).

Conditions:
RYR1-related disorder. Also called: RYR1-related condition; RYR1-related disorders. Identifiers: MedGen CN239331.

Submission:

Labcorp Genetics (formerly Invitae), Labcorp
Classification: Uncertain significance for RYR1-related disorder. Last evaluated: 2025-05-06. Review status: criteria provided, single submitter. Criteria: Invitae Variant Classification Sherloc (09022015). Collection method: clinical testing. Allele origin: germline.
Comment: This sequence change replaces tyrosine, which is neutral and polar, with histidine, which is basic and polar, at codon 4193 of the RYR1 protein (p.Tyr4193His). This variant is not present in population databases (gnomAD no frequency). This variant has not been reported in the literature in individuals affected with RYR1-related conditions. ClinVar contains an entry for this variant (Variation ID: 3709266). Invitae Evidence Modeling of protein sequence and biophysical properties (such as structural, functional, and spatial information, amino acid conservation, physicochemical variation, residue mobility, and thermodynamic stability) indicates that this missense variant is expected to disrupt RYR1 protein function with a positive predictive value of 80%. In summary, the available evidence is currently insufficient to determine the role of this variant in disease. Therefore, it has been classified as a Variant of Uncertain Significance.